The following is an entry in ClinVar:

NM_001374353.1(GLI2):c.3361A>G (p.Asn1121Asp)

Gene: GLI2 (GLI family zinc finger 2; plus strand). Cytogenetic location: 2q14.2.
Variant type: single nucleotide variant.
Coding change: c.3361A>G on transcript NM_001374353.1 (MANE Select); coding-DNA position 3361, A replaced by G.
Protein change: p.Asn1121Asp; replaces asparagine 1121 with aspartic acid.
Molecular consequence: missense variant.
Genome position (GRCh38, 1-based): chr2:120,989,326, A>G. VCF-style: chr2-120989326-A-G. GRCh37 (hg19) VCF-style: chr2-121746902-A-G.
Other names: c.3412A>G, p.Asn1138Asp (NM_001371271.1, NM_005270.5); c.2986A>G, p.Asn996Asp (NM_001374354.1); c.3412A>G (NM_005270.4); short protein forms N996D, N1121D, N1138D.
Identifiers: ClinVar variation 2948289 (VCV002948289.4), dbSNP rs1421578070, ClinGen allele CA348173909.

ClinVar aggregate classification (germline): Uncertain significance. Review status: criteria provided, single submitter (1 of 4 stars). 2 submissions from 2 submitters: Uncertain significance (1). 1 of the submissions does not count toward it. Last evaluated 2025-10-02.

Conditions:
GLI2-related disorder. Also called: GLI2-related condition; GLI2-related disorders.
Holoprosencephaly 9 (HPE9). Also called: PITUITARY ANOMALIES WITH HOLOPROSENCEPHALY-LIKE FEATURES; HOLOPROSENCEPHALY WITH MICROPHTHALMIA AND FIRST BRANCHIAL ARCH ANOMALIES. Identifiers: Orphanet 2162, MedGen C1835819, MONDO:0012563, OMIM 610829.
Postaxial polydactyly-anterior pituitary anomalies-facial dysmorphism syndrome. Also called: Culler-Jones syndrome. Identifiers: Orphanet 420584, MedGen C4014479, MONDO:0014369, OMIM 615849.

Allele frequency attached by ClinVar (database versions not stated): gnomAD 0.00001; TOPMed below 0.00001.

Submissions (2):

Labcorp Genetics (formerly Invitae), Labcorp
Classification: Uncertain significance for Postaxial polydactyly-anterior pituitary anomalies-facial dysmorphism syndrome; Holoprosencephaly 9. Last evaluated: 2025-10-02. Review status: criteria provided, single submitter. Criteria: Invitae Variant Classification Sherloc (09022015). Collection method: clinical testing. Allele origin: germline.
Comment: This sequence change replaces asparagine, which is neutral and polar, with aspartic acid, which is acidic and polar, at codon 1138 of the GLI2 protein (p.Asn1138Asp). This variant is present in population databases (no rsID available, gnomAD 0.02%). This variant has not been reported in the literature in individuals affected with GLI2-related conditions. ClinVar contains an entry for this variant (Variation ID: 2948289). Invitae Evidence Modeling of protein sequence and biophysical properties (such as structural, functional, and spatial information, amino acid conservation, physicochemical variation, residue mobility, and thermodynamic stability) indicates that this missense variant is not expected to disrupt GLI2 protein function with a negative predictive value of 80%. In summary, the available evidence is currently insufficient to determine the role of this variant in disease. Therefore, it has been classified as a Variant of Uncertain Significance.

PreventionGenetics, part of Exact Sciences
Classification: Uncertain significance for GLI2-related condition. Last evaluated: 2024-05-13. Review status: no assertion criteria provided. Collection method: clinical testing. Allele origin: germline. Not counted in ClinVar's aggregate classification.
Comment: The GLI2 c.3412A>G variant is predicted to result in the amino acid substitution p.Asn1138Asp. To our knowledge, this variant has not been reported in the literature. This variant is reported in 0.020% of alleles in individuals of Latino descent in gnomAD. Although we suspect that this variant may be benign, at this time, the clinical significance of this variant is uncertain due to the absence of conclusive functional and genetic evidence.